The following is an entry in ClinVar:

ClinVar aggregate classification (germline): Likely pathogenic (1 of 4 stars; one submission).

Conditions:
Dilated cardiomyopathy 1G (CMD1G). Identifiers: Orphanet 154, MedGen C1858763, MONDO:0011400, OMIM 604145.

Submission:

Victorian Clinical Genetics Services, Murdoch Childrens Research Institute
Classification: Likely pathogenic for Dilated cardiomyopathy 1G. Last evaluated: 2024-10-11. Review status: criteria provided, single submitter. Criteria: ACMG Guidelines, 2015. Collection method: clinical testing. Allele origin: germline. Inheritance: Autosomal dominant inheritance. Affected: yes.
Comment: Based on the classification scheme VCGS_Germline_v1.3.5, this variant is classified as Likely pathogenic. Following criteria are met: 0102 - Loss of function is a known mechanism of disease in this gene. In addition, dominant-negative is also a suggested mechanism (PMID: 25589632). (I) 0108 - This gene is associated with both recessive and dominant disease (OMIM). (I) 0112 - The condition associated with this gene has incomplete penetrance. Variants in this gene that result in a premature termination codon (PTC) are known to have reduced penetrance in DCM (PMID: 25589632). (I) 0201 - Variant is predicted to cause nonsense-mediated decay (NMD) and loss of protein (premature termination codon is located at least 54 nucleotides upstream of the final exon-exon junction). (SP) 0251 - This variant is heterozygous. (I) 0304 - Variant is present in gnomAD <0.01 (v3: 1 heterozygote, 0 homozygotes). (SP) 0600 - Variant is located in the annotated A-band and the exon has a PSI score of 100% (PMID: 25589632). (I) 0702 - Other NMD-predicted variants comparable to the one identified in this case have strong previous evidence for pathogenicity (ClinVar). (SP) 0807 - This variant has no previous evidence of pathogenicity. (I) 0905 - No published segregation evidence has been identified for this variant. (I) 1007 - No published functional evidence has been identified for this variant. (I) 1208 - Inheritance information for this variant is not currently available in this individual. (I) Legend: (SP) - Supporting pathogenic, (I) - Information, (SB) - Supporting benign

Literature cited by the submitters: PubMed 25589632.

NM_001267550.2(TTN):c.92248_92260del (p.Glu30750fs)

Genes: TTN (titin; minus strand), TTN-AS1 (TTN antisense RNA 1; plus strand). Cytogenetic location: 2q31.2.
Variant type: Deletion.
Coding change: c.92248_92260del on transcript NM_001267550.2 (MANE Select); coding-DNA positions 92248 to 92260, 13 bases deleted (GAAATTCAACAGT).
Protein change: p.Glu30750fs; shifts the reading frame from glutamic acid 30750.
Molecular consequence: frameshift variant.
Genome position (GRCh38, 1-based): chr2:178,549,366-178,549,378, ACTGTTGAATTTC deleted on the plus strand (GAAATTCAACAGT on the coding strand, the reverse complement: TTN is on the minus strand); deleting any 13 consecutive bases within chr2:178,549,366-178,549,382 gives the same sequence; the c. name uses the placement nearest the transcript's 3' end. VCF-style (leftmost placement, unchanged base first): chr2-178549365-TACTGTTGAATTTC-T. GRCh37 (hg19) VCF-style: chr2-179414092-TACTGTTGAATTTC-T.
Other names: c.87325_87337del, p.Glu29109fs (NM_001256850.1); c.92244_92256delCAGTGAAATTCAA, p.Glu30750Ilefs (NM_001267550.1); c.65053_65065del, p.Glu21685fs (NM_003319.4); c.84544_84556del, p.Glu28182fs (NM_133378.4); c.65428_65440del, p.Glu21810fs (NM_133432.3); c.65629_65641del, p.Glu21877fs (NM_133437.4); short protein forms E21685fs, E21810fs, E21877fs, E28182fs, E29109fs, E30750fs.
Identifiers: ClinVar variation 3377026 (VCV003377026.1).